The following is an entry in ClinVar:

ClinVar aggregate classification (germline): Uncertain significance (1 of 4 stars; one submission).

Submission:

Labcorp Genetics (formerly Invitae), Labcorp
Classification: Uncertain significance. Last evaluated: 2022-12-13. Review status: criteria provided, single submitter. Criteria: Invitae Variant Classification Sherloc (09022015). Collection method: clinical testing. Allele origin: germline.
Comment: In summary, the available evidence is currently insufficient to determine the role of this variant in disease. Therefore, it has been classified as a Variant of Uncertain Significance. This variant has not been reported in the literature in individuals affected with CDK13-related conditions. This variant is not present in population databases (gnomAD no frequency). This variant, c.214_228dup, results in the insertion of 5 amino acid(s) of the CDK13 protein (p.Ala72_Ala76dup), but otherwise preserves the integrity of the reading frame.

NM_003718.5(CDK13):c.214_228dup (p.Ala76_Ser77insAlaAlaAlaAlaAla)

Genes: CDK13 (cyclin dependent kinase 13; plus strand), LOC129998292 (ATAC-STARR-seq lymphoblastoid silent region 18115; plus strand). Cytogenetic location: 7p14.1.
Variant type: Duplication.
Coding change: c.214_228dup on transcript NM_003718.5 (MANE Select); coding-DNA positions 214 to 228, 15 bases duplicated (GCCGCCGCCGCGGCC).
Protein change: p.Ala76_Ser77insAlaAlaAlaAlaAla.
Molecular consequence: inframe indel (on NM_031267.4).
Genome position (GRCh38, 1-based): chr7:39,950,855-39,950,869, GCCGCCGCCGCGGCC duplicated; duplicating any 15 consecutive bases within chr7:39,950,852-39,950,869 gives the same sequence; the c. name uses the placement nearest the transcript's 3' end. VCF-style (leftmost placement, unchanged base first): chr7-39950851-A-AGCCGCCGCCGCCGCG. GRCh37 (hg19) VCF-style: chr7-39990450-A-AGCCGCCGCCGCCGCG.
Other names: c.214_228dup, p.Ala76_Ser77insAlaAlaAlaAlaAla (NM_031267.4).
Identifiers: ClinVar variation 2880422 (VCV002880422.3), dbSNP rs2483668053, ClinGen allele CA2596091092.